The following is an entry in ClinVar:

ClinVar aggregate classification (germline): Uncertain significance (1 of 4 stars; one submission).

gnomAD v4.1: 10 of 1,391,276 alleles (0.00072%); highest among the groups gnomAD compares: South Asian, 0.0047%; no homozygotes.

Submission:

GeneDx
Classification: Uncertain significance. Last evaluated: 2022-02-21. Review status: criteria provided, single submitter. Criteria: GeneDx Variant Classification Process June 2021. Collection method: clinical testing. Allele origin: germline. Affected: yes.
Comment: Not observed at significant frequency in large population cohorts (gnomAD); In silico analysis supports that this missense variant has a deleterious effect on protein structure/function; Has not been previously published as pathogenic or benign to our knowledge

NM_032188.3(KAT8):c.32C>T (p.Ala11Val)

Gene: KAT8 (lysine acetyltransferase 8; plus strand). Cytogenetic location: 16p11.2.
Variant type: single nucleotide variant.
Coding change: c.32C>T on transcript NM_032188.3 (MANE Select); coding-DNA position 32, C replaced by T.
Protein change: p.Ala11Val; replaces alanine 11 with valine.
Molecular consequence: missense variant.
Genome position (GRCh38, 1-based): chr16:31,117,713, C>T. VCF-style: chr16-31117713-C-T. GRCh37 (hg19) VCF-style: chr16-31129034-C-T.
Other names: c.32C>T, p.Ala11Val (NM_182958.4); short protein forms A11V.
Identifiers: ClinVar variation 1703415 (VCV001703415.2), dbSNP rs901263157, ClinGen allele CA280575448.